The following is an entry in ClinVar:

NM_015311.3(OBSL1):c.2516G>A (p.Arg839His)

Gene: OBSL1 (obscurin like cytoskeletal adaptor 1; minus strand). Cytogenetic location: 2q35.
Variant type: single nucleotide variant.
Coding change: c.2516G>A on transcript NM_015311.3 (MANE Select); coding-DNA position 2516, G replaced by A.
Protein change: p.Arg839His; replaces arginine 839 with histidine.
Molecular consequence: missense variant.
Genome position (GRCh38, 1-based): chr2:219,563,519, C>T on the plus strand (G>A on the coding strand, the complement: OBSL1 is on the minus strand). VCF-style: chr2-219563519-C-T. GRCh37 (hg19) VCF-style: chr2-220428241-C-T.
Other names: c.2516G>A, p.Arg839His (NM_001173408.2, NM_001173431.2); short protein forms R839H.
Identifiers: ClinVar variation 1314157 (VCV001314157.9), dbSNP rs371714401, ClinGen allele CA2131194.

ClinVar aggregate classification (germline): Conflicting classifications of pathogenicity. Review status: criteria provided, conflicting classifications (1 of 4 stars). 3 submissions from 3 submitters: Uncertain significance (2); Likely benign (1). Last evaluated 2025-04-01.

Conditions:
Inborn genetic diseases. Identifiers: MedGen C0950123, MeSH D030342.

Allele frequency attached by ClinVar (database versions not stated): gnomAD 0.00005; 1000 Genomes Project 30x 0.00016; 1000 Genomes Project 0.00020; gnomAD exomes 0.00002; ExAC 0.00004; TOPMed 0.00004; ESP Exome Variant Server 0.00008.
gnomAD v4.1: 39 of 1,613,966 alleles (0.0024%); highest among the groups gnomAD compares: Middle Eastern, 0.033%; no homozygotes.

Submissions (3):

Ambry Genetics
Classification: Likely benign for Inborn genetic diseases. Last evaluated: 2025-04-01. Review status: criteria provided, single submitter. Criteria: Ambry Variant Classification Scheme 2023. Collection method: clinical testing. Allele origin: germline.

Labcorp Genetics (formerly Invitae), Labcorp
Classification: Uncertain significance. Last evaluated: 2022-08-31. Review status: criteria provided, single submitter. Criteria: Invitae Variant Classification Sherloc (09022015). Collection method: clinical testing. Allele origin: germline.
Comment: This sequence change replaces arginine, which is basic and polar, with histidine, which is basic and polar, at codon 839 of the OBSL1 protein (p.Arg839His). This variant is present in population databases (rs371714401, gnomAD 0.01%). This variant has not been reported in the literature in individuals affected with OBSL1-related conditions. ClinVar contains an entry for this variant (Variation ID: 1314157). Algorithms developed to predict the effect of missense changes on protein structure and function output the following: SIFT: "Tolerated"; PolyPhen-2: "Benign"; Align-GVGD: "Class C0". The histidine amino acid residue is found in multiple mammalian species, which suggests that this missense change does not adversely affect protein function. In summary, the available evidence is currently insufficient to determine the role of this variant in disease. Therefore, it has been classified as a Variant of Uncertain Significance.

GeneDx
Classification: Uncertain significance. Last evaluated: 2020-02-18. Review status: criteria provided, single submitter. Criteria: GeneDx Variant Classification Process June 2021. Collection method: clinical testing. Allele origin: germline. Affected: yes.
Comment: In silico analysis supports that this missense variant does not alter protein structure/function; Has not been previously published as pathogenic or benign to our knowledge